The following is an entry in ClinVar:

NM_000179.3(MSH6):c.3689C>T (p.Ala1230Val)

Gene: MSH6 (mutS homolog 6; plus strand). Cytogenetic location: 2p16.3.
Variant type: single nucleotide variant.
Coding change: c.3689C>T on transcript NM_000179.3 (MANE Select); coding-DNA position 3689, C replaced by T.
Protein change: p.Ala1230Val; replaces alanine 1230 with valine.
Molecular consequence: missense variant.
Genome position (GRCh38, 1-based): chr2:47,806,246, C>T. VCF-style: chr2-47806246-C-T. GRCh37 (hg19) VCF-style: chr2-48033385-C-T.
Other names: c.3299C>T, p.Ala1100Val (NM_001281492.2); c.2783C>T, p.Ala928Val (NM_001281493.2, NM_001281494.2, NM_001406812.1 and 6 more transcripts); c.3785C>T, p.Ala1262Val (NM_001406795.1, NM_001406802.1); c.3689C>T, p.Ala1230Val (NM_001406796.1, NM_001406800.1, NM_001406808.1 and 1 more transcripts); c.3392C>T, p.Ala1131Val (NM_001406797.1, NM_001406818.1, NM_001406819.1 and 10 more transcripts); c.3515C>T, p.Ala1172Val (NM_001406798.1); c.3164C>T, p.Ala1055Val (NM_001406799.1, NM_001406806.1, NM_001406807.1); c.3695C>T, p.Ala1232Val (NM_001406813.1); and 7 more; short protein forms A1055V, A1172V, A1230V, A179V, A708V, A1131V, A1262V, A545V.
Identifiers: ClinVar variation 1733940 (VCV001733940.6), dbSNP rs587782117, ClinGen allele CA071852.

ClinVar aggregate classification (germline): Uncertain significance. Review status: criteria provided, multiple submitters, no conflicts (2 of 4 stars). 3 submissions from 3 submitters: Uncertain significance (3). Last evaluated 2025-12-20.

Conditions:
Hereditary nonpolyposis colorectal neoplasms. Identifiers: MedGen C0009405, MeSH D003123.
Hereditary cancer-predisposing syndrome. Also called: Neoplastic Syndromes, Hereditary; Tumor predisposition; Hereditary Cancer Syndrome; Hereditary neoplastic syndrome. Identifiers: Orphanet 140162, MedGen C0027672, MeSH D009386, MONDO:0015356.

gnomAD v4.1: 1 of 1,614,000 alleles (0.000062%); highest among the groups gnomAD compares: Admixed American, 0.0017%; no homozygotes.

Submissions (3):

Labcorp Genetics (formerly Invitae), Labcorp
Classification: Uncertain significance for Hereditary nonpolyposis colorectal neoplasms. Last evaluated: 2025-12-20. Review status: criteria provided, single submitter. Criteria: Invitae Variant Classification Sherloc (09022015). Collection method: clinical testing. Allele origin: germline.
Comment: This sequence change replaces alanine, which is neutral and non-polar, with valine, which is neutral and non-polar, at codon 1230 of the MSH6 protein (p.Ala1230Val). This variant is present in population databases (rs587782117, gnomAD 0.003%). This variant has not been reported in the literature in individuals affected with MSH6-related conditions. ClinVar contains an entry for this variant (Variation ID: 1733940). Invitae Evidence Modeling of protein sequence and biophysical properties (such as structural, functional, and spatial information, amino acid conservation, physicochemical variation, residue mobility, and thermodynamic stability) has been performed for this missense variant. However, the output from this modeling did not meet the statistical confidence thresholds required to predict the impact of this variant on MSH6 protein function. In summary, the available evidence is currently insufficient to determine the role of this variant in disease. Therefore, it has been classified as a Variant of Uncertain Significance.

Color Diagnostics, LLC DBA Color Health
Classification: Uncertain significance for Hereditary cancer-predisposing syndrome. Last evaluated: 2023-07-31. Review status: criteria provided, single submitter. Criteria: ACMG Guidelines, 2015. Collection method: clinical testing. Allele origin: germline.
Comment: This missense variant replaces alanine with valine at codon 1230 of the MSH6 protein. Computational prediction suggests that this variant may have deleterious impact on protein structure and function (internally defined REVEL score threshold >= 0.7, PMID: 27666373). To our knowledge, functional studies have not been reported for this variant. This variant has not been reported in individuals affected with MSH6-related disorders in the literature. This variant has been identified in 1/251228 chromosomes in the general population by the Genome Aggregation Database (gnomAD). The available evidence is insufficient to determine the role of this variant in disease conclusively. Therefore, this variant is classified as a Variant of Uncertain Significance.

Ambry Genetics
Classification: Uncertain significance for Hereditary cancer-predisposing syndrome. Last evaluated: 2020-01-08. Review status: criteria provided, single submitter. Criteria: Ambry Variant Classification Scheme 2023. Collection method: clinical testing. Allele origin: germline.
Comment: The p.A1230V variant (also known as c.3689C>T), located in coding exon 8 of the MSH6 gene, results from a C to T substitution at nucleotide position 3689. The alanine at codon 1230 is replaced by valine, an amino acid with similar properties. This amino acid position is highly conserved in available vertebrate species. In addition, this alteration is predicted to be deleterious by in silico analysis. Since supporting evidence is limited at this time, the clinical significance of this alteration remains unclear.